The following is an entry in ClinVar:

NM_001379180.1(ESRRB):c.752del (p.Pro251fs)

Gene: ESRRB (estrogen related receptor beta; plus strand). Cytogenetic location: 14q24.3.
Variant type: Deletion.
Coding change: c.752del on transcript NM_001379180.1 (MANE Select); coding-DNA position 752, one base deleted (C; older notation c.752delC).
Protein change: p.Pro251fs; shifts the reading frame from proline 251.
Molecular consequence: frameshift variant.
Genome position (GRCh38, 1-based): chr14:76,482,661, C deleted; the last of 5 consecutive C bases (chr14:76,482,657-76,482,661); deleting any one gives the same sequence. VCF-style (leftmost placement, unchanged base first): chr14-76482656-TC-T. GRCh37 (hg19) VCF-style: chr14-76948999-TC-T.
Other names: c.704del, p.Pro235fs (NM_001411038.1); c.689del, p.Pro230fs (NM_004452.4); short protein forms P230fs, P235fs, P251fs.
Identifiers: ClinVar variation 4731694 (VCV004731694.1).

ClinVar aggregate classification (germline): Pathogenic (1 of 4 stars; one submission).

Submission:

Labcorp Genetics (formerly Invitae), Labcorp
Classification: Pathogenic. Last evaluated: 2026-01-02. Review status: criteria provided, single submitter. Criteria: Invitae Variant Classification Sherloc (09022015). Collection method: clinical testing. Allele origin: germline.
Comment: This sequence change creates a premature translational stop signal (p.Pro230Leufs*11) in the ESRRB gene. It is expected to result in an absent or disrupted protein product. Loss-of-function variants in ESRRB are known to be pathogenic (PMID: 18179891). This variant is not present in population databases (gnomAD no frequency). This variant has not been reported in the literature in individuals affected with ESRRB-related conditions. For these reasons, this variant has been classified as Pathogenic.

Literature cited by the submitters: PubMed 18179891.